The following is an entry in ClinVar:

NM_000892.5(KLKB1):c.143_221+128del

Gene: KLKB1 (kallikrein B1; plus strand). Cytogenetic location: 4q35.2.
Variant type: Deletion.
Coding change: c.143_221+128del on transcript NM_000892.5 (MANE Select); coding-DNA position 143 through 128 bases into the intron after coding-DNA position 221, 207 bases deleted.
Molecular consequence: splice donor variant.
Genome position (GRCh38, 1-based): chr4:186,232,211-186,232,417, 207 bases deleted. GRCh37 (hg19): chr4:187,153,365-187,153,571.
Other names: c.-495_-417+128del (NM_001318396.2); c.29_107+128del (NM_001318394.2).
Identifiers: ClinVar variation 1803727 (VCV001803727.1), dbSNP rs2476905568, ClinGen allele CA2580071704.

ClinVar aggregate classification (germline): Pathogenic (1 of 4 stars; one submission).

Conditions:
Inherited prekallikrein deficiency. Identifiers: Orphanet 749, MedGen CN305372, MONDO:0012901, OMIM 612423.

Submission:

Institute for Clinical Chemistry and Laboratory Medicine, University Medical Center Mainz
Classification: Pathogenic for Inherited prekallikrein deficiency. Last evaluated: 2022-12-06. Review status: criteria provided, single submitter. Criteria: ACMG Guidelines, 2015. Collection method: clinical testing. Allele origin: germline. Inheritance: Autosomal recessive inheritance. Affected: yes. Observed: 1 homozygote.
Comment: We identified this deletion, NM_000892.4(KLKB1):c.143_221+128del, in an Iranian family using medical exome sequencing (Barco et al. PMID: 32202057). One daughter presented with a severely prolonged aPTT due to prekallikrein (PK) deficiency (1.3% PK activity) and bleeding symptoms due to Bernard-Soulier syndrome (Shahverdi et al. PMID: 29043243). She was homozygous for the variant; their parents were both heterozygous. This deletion is not included in dbSNP and due to its rarity, correlation with phenotype, and clearly deleterious nature, we have classified this variant as pathogenic (ACMG guideline).

Literature cited by the submitters: PubMed 32202057.